The following is an entry in ClinVar:

ClinVar aggregate classification (germline): Conflicting classifications of pathogenicity. Review status: criteria provided, conflicting classifications (1 of 4 stars). 4 submissions from 4 submitters: Uncertain significance (3); Likely benign (1). Last evaluated 2025-09-23.

Conditions:
Autoimmune lymphoproliferative syndrome type 2A (ALPS2A). Also called: CASP10-Related Autoimmune Lymphoproliferative Syndrome; AUTOIMMUNE LYMPHOPROLIFERATIVE SYNDROME, TYPE IIA; Autoimmune lymphoproliferative syndrome type 2. Identifiers: Orphanet 3261, MedGen C1858968, MONDO:0011383, OMIM 603909.

Allele frequency attached by ClinVar (database versions not stated): ExAC 0.00010; gnomAD exomes 0.00010 and 0.00013; TOPMed 0.00012; gnomAD 0.00014 and 0.00015; ESP Exome Variant Server 0.00023.
gnomAD v4.1: 209 of 1,612,644 alleles (0.013%); highest among the groups gnomAD compares: Middle Eastern, 0.016%; no homozygotes.

Submissions (4):

Labcorp Genetics (formerly Invitae), Labcorp
Classification: Uncertain significance for Autoimmune lymphoproliferative syndrome type 2A. Last evaluated: 2025-09-23. Review status: criteria provided, single submitter. Criteria: Invitae Variant Classification Sherloc (09022015). Collection method: clinical testing. Allele origin: germline.
Comment: This sequence change replaces lysine, which is basic and polar, with glutamic acid, which is acidic and polar, at codon 305 of the CASP10 protein (p.Lys305Glu). This variant is present in population databases (rs149912574, gnomAD 0.06%), and has an allele count higher than expected for a pathogenic variant. This variant has not been reported in the literature in individuals affected with CASP10-related conditions. ClinVar contains an entry for this variant (Variation ID: 897316). Invitae Evidence Modeling of protein sequence and biophysical properties (such as structural, functional, and spatial information, amino acid conservation, physicochemical variation, residue mobility, and thermodynamic stability) indicates that this missense variant is not expected to disrupt CASP10 protein function with a negative predictive value of 80%. In summary, the available evidence is currently insufficient to determine the role of this variant in disease. Therefore, it has been classified as a Variant of Uncertain Significance.

Blueprint Genetics
Classification: Uncertain significance. Last evaluated: 2024-09-09. Review status: criteria provided, single submitter. Criteria: ACMG Guidelines, 2015. Collection method: clinical testing. Allele origin: germline.

Ambry Genetics
Classification: Uncertain significance. Last evaluated: 2024-08-01. Review status: criteria provided, single submitter. Criteria: Ambry Variant Classification Scheme 2023. Collection method: clinical testing. Allele origin: germline.

Illumina Laboratory Services, Illumina
Classification: Likely benign for Autoimmune lymphoproliferative syndrome type 2A. Last evaluated: 2018-01-13. Review status: criteria provided, single submitter. Criteria: ICSL Variant Classification Criteria 13 December 2019. Collection method: clinical testing. Allele origin: germline.
Comment: This variant was observed in the ICSL laboratory as part of a predisposition screen in an ostensibly healthy population. It had not been previously curated by ICSL or reported in the Human Gene Mutation Database (HGMD: prior to June 1st, 2018), and was therefore a candidate for classification through an automated scoring system. Utilizing variant allele frequency, disease prevalence and penetrance estimates, and inheritance mode, an automated score was calculated to assess if this variant is too frequent to cause the disease. Based on the score and internal cut-off values, a variant classified as likely benign is not then subjected to further curation. The score for this variant resulted in a classification of likely benign for this disease.

NM_032977.4(CASP10):c.913A>G (p.Lys305Glu)

Gene: CASP10 (caspase 10; plus strand). Cytogenetic location: 2q33.1.
Variant type: single nucleotide variant.
Coding change: c.913A>G on transcript NM_032977.4 (MANE Select); coding-DNA position 913, A replaced by G.
Protein change: p.Lys305Glu; replaces lysine 305 with glutamic acid.
Molecular consequence: missense variant. On other transcripts: synonymous variant (1), intron variant (1).
Genome position (GRCh38, 1-based): chr2:201,208,174, A>G. VCF-style: chr2-201208174-A-G. GRCh37 (hg19) VCF-style: chr2-202072897-A-G.
Other names: c.784A>G, p.Lys262Glu (NM_001206542.2, NM_001230.5); c.913A>G, p.Lys305Glu (NM_032974.5); c.821A>G, p.Ter274= (NM_032976.4); c.722-896A>G (NM_001206524.2); short protein forms K262E, K305E.
Identifiers: ClinVar variation 897316 (VCV000897316.13), dbSNP rs149912574, ClinGen allele CA2053093.